The following is an entry in ClinVar:

ClinVar aggregate classification (germline): Pathogenic (1 of 4 stars; one submission).

Conditions:
DICER1-related tumor predisposition. Also called: DICER1 syndrome; DICER1-related pleuropulmonary blastoma cancer predisposition syndrome. Identifiers: Orphanet 284343, MedGen C3839822, MONDO:0100216.

Submission:

Labcorp Genetics (formerly Invitae), Labcorp
Classification: Pathogenic for DICER1-related pleuropulmonary blastoma cancer predisposition syndrome. Last evaluated: 2019-06-29. Review status: criteria provided, single submitter. Criteria: Invitae Variant Classification Sherloc (09022015). Collection method: clinical testing. Allele origin: germline.
Comment: A gross deletion of the genomic region encompassing the full coding sequence of the DICER1 gene has been identified. The boundaries of this event are unknown as the deletion extends beyond the assayed region for this gene and therefore may encompass additional genes. Isolated whole-gene deletions of DICER1 have not been reported in the literature. However, larger copy number events that include this gene have been reported (PMID: 28960912, 29315962). Loss-of-function variants in DICER1 are known to be pathogenic (PMID: 19556464, 21266384). For these reasons, this variant has been classified as Pathogenic.

Literature cited by the submitters: PubMed 29315962; PubMed 28960912.

NC_000014.9:g.(?_95090488)_(95133468_?)del

Gene: DICER1 (dicer 1, ribonuclease III; minus strand). Cytogenetic location: 14q32.13.
Variant type: Deletion.
Identifiers: ClinVar variation 655753 (VCV000655753.3).